The following is an entry in ClinVar:

NM_001318510.2(ACSL4):c.1100T>C (p.Leu367Ser)

Gene: ACSL4 (acyl-CoA synthetase long chain family member 4; minus strand). Cytogenetic location: Xq23.
Variant type: single nucleotide variant.
Coding change: c.1100T>C on transcript NM_001318510.2 (MANE Select); coding-DNA position 1100, T replaced by C.
Protein change: p.Leu367Ser; replaces leucine 367 with serine.
Molecular consequence: missense variant.
Genome position (GRCh38, 1-based): chrX:109,669,076, A>G on the plus strand (T>C on the coding strand, the complement: ACSL4 is on the minus strand). VCF-style: chrX-109669076-A-G. GRCh37 (hg19) VCF-style: chrX-108912305-A-G.
Other names: c.1223T>C, p.Leu408Ser (NM_001318509.2, NM_022977.3); c.1100T>C, p.Leu367Ser (NM_004458.3); short protein forms L367S, L408S.
Identifiers: ClinVar variation 2502074 (VCV002502074.1), dbSNP rs966241966, ClinGen allele CA334286192.

ClinVar aggregate classification (germline): Uncertain significance (1 of 4 stars; one submission).

Allele frequency attached by ClinVar (database versions not stated): gnomAD exomes below 0.00001.
gnomAD v4.1: 1 of 1,198,466 alleles (0.000083%); highest among the groups gnomAD compares: African/African-American, 0.0017%; no homozygotes.

Submission:

GeneDx
Classification: Uncertain significance. Last evaluated: 2022-11-14. Review status: criteria provided, single submitter. Criteria: GeneDx Variant Classification Process June 2021. Collection method: clinical testing. Allele origin: germline. Affected: yes.
Comment: Not observed at significant frequency in large population cohorts (gnomAD); In silico analysis supports that this missense variant has a deleterious effect on protein structure/function; Has not been previously published as pathogenic or benign to our knowledge